The following is an entry in ClinVar:

ClinVar aggregate classification (germline): Uncertain significance (1 of 4 stars; one submission).

Submission:

GeneDx
Classification: Uncertain significance. Last evaluated: 2023-01-09. Review status: criteria provided, single submitter. Criteria: GeneDx Variant Classification Process June 2021. Collection method: clinical testing. Allele origin: germline. Affected: yes.
Comment: Has not been previously published as pathogenic or benign to our knowledge; Not observed at significant frequency in large population cohorts (gnomAD); In silico analysis supports that this missense variant has a deleterious effect on protein structure/function

NM_005901.6(SMAD2):c.1376C>T (p.Pro459Leu)

Gene: SMAD2 (SMAD family member 2; minus strand). Cytogenetic location: 18q21.1.
Variant type: single nucleotide variant.
Coding change: c.1376C>T on transcript NM_005901.6 (MANE Select); coding-DNA position 1376, C replaced by T.
Protein change: p.Pro459Leu; replaces proline 459 with leucine.
Molecular consequence: missense variant.
Genome position (GRCh38, 1-based): chr18:47,841,855, G>A on the plus strand (C>T on the coding strand, the complement: SMAD2 is on the minus strand). VCF-style: chr18-47841855-G-A. GRCh37 (hg19) VCF-style: chr18-45368226-G-A.
Other names: c.1376C>T, p.Pro459Leu (NM_001003652.4); c.1286C>T, p.Pro429Leu (NM_001135937.3); short protein forms P429L, P459L.
Identifiers: ClinVar variation 2571929 (VCV002571929.1), dbSNP rs2144276207, ClinGen allele CA402502537.